The following is an entry in ClinVar:

ClinVar aggregate classification (germline): Uncertain significance (1 of 4 stars; one submission).

Conditions:
Neuronopathy, distal hereditary motor, autosomal recessive 4. Also called: Autosomal recessive lower motor neuron disease with childhood onset; NEUROPATHY, DISTAL HEREDITARY MOTOR, AUTOSOMAL RECESSIVE 4. Identifiers: Orphanet 206580, MedGen C1970211, MONDO:0012608, OMIM 611067.
Charcot-Marie-Tooth disease recessive intermediate C. Also called: CHARCOT-MARIE-TOOTH NEUROPATHY, RECESSIVE INTERMEDIATE C. Identifiers: Orphanet 369867, MedGen C3809309, MONDO:0014154, OMIM 615376.

Submission:

Labcorp Genetics (formerly Invitae), Labcorp
Classification: Uncertain significance for Neuronopathy, distal hereditary motor, autosomal recessive 4; Charcot-Marie-Tooth disease recessive intermediate C. Last evaluated: 2022-08-28. Review status: criteria provided, single submitter. Criteria: Invitae Variant Classification Sherloc (09022015). Collection method: clinical testing. Allele origin: germline.
Comment: Algorithms developed to predict the effect of missense changes on protein structure and function (SIFT, PolyPhen-2, Align-GVGD) all suggest that this variant is likely to be tolerated. ClinVar contains an entry for this variant (Variation ID: 943176). This variant has not been reported in the literature in individuals affected with PLEKHG5-related conditions. This variant is not present in population databases (gnomAD no frequency). This sequence change replaces glycine, which is neutral and non-polar, with arginine, which is basic and polar, at codon 931 of the PLEKHG5 protein (p.Gly931Arg). In summary, the available evidence is currently insufficient to determine the role of this variant in disease. Therefore, it has been classified as a Variant of Uncertain Significance.

NM_020631.6(PLEKHG5):c.2791G>C (p.Gly931Arg)

Gene: PLEKHG5 (pleckstrin homology and RhoGEF domain containing G5; minus strand). Cytogenetic location: 1p36.31.
Variant type: single nucleotide variant.
Coding change: c.2791G>C on transcript NM_020631.6 (MANE Select); coding-DNA position 2791, G replaced by C.
Protein change: p.Gly931Arg; replaces glycine 931 with arginine.
Molecular consequence: missense variant. On other transcripts: intron variant (1).
Genome position (GRCh38, 1-based): chr1:6,468,045, C>G on the plus strand (G>C on the coding strand, the complement: PLEKHG5 is on the minus strand). VCF-style: chr1-6468045-C-G. GRCh37 (hg19) VCF-style: chr1-6528105-C-G.
Other names: c.2902G>C, p.Gly968Arg (NM_001042663.3, NM_001265592.2); c.2791G>C, p.Gly931Arg (NM_001042664.2, NM_001042665.2, NM_198681.4); c.2998G>C, p.Gly1000Arg (NM_001265593.2); c.2737+54G>C (NM_001265594.3); short protein forms G1000R, G968R, G931R.
Identifiers: ClinVar variation 943176 (VCV000943176.10), dbSNP rs1644443857, ClinGen allele CA338114840.
Genomic context (GRCh38, chr1:6,468,045, plus strand): 5'-CTGCAGGTTCCCCGGCCAGGCAGCCGACTAGCCCAGGACCGCTGCCAGGGCTAGGGGCCC[C>G]TCGGCAATCCCAGCTGGGCCCAGCTTCCTGAGGGGAGCCCTGAGTCCTAATACCTGGGGC-3'
Protein context (NP_065682.2, residues 921-941): QEAGPSWDCR[Gly931Arg]APSPGSGPGL